The following is an entry in ClinVar:

NM_014679.5(CEP57):c.335T>A (p.Ile112Lys)

Gene: CEP57 (centrosomal protein 57; plus strand). Cytogenetic location: 11q21.
Variant type: single nucleotide variant.
Coding change: c.335T>A on transcript NM_014679.5 (MANE Select); coding-DNA position 335, T replaced by A.
Protein change: p.Ile112Lys; replaces isoleucine 112 with lysine.
Molecular consequence: missense variant.
Genome position (GRCh38, 1-based): chr11:95,813,064, T>A. VCF-style: chr11-95813064-T-A. GRCh37 (hg19) VCF-style: chr11-95546228-T-A.
Other names: c.308T>A, p.Ile103Lys (NM_001243776.2); c.335T>A, p.Ile112Lys (NM_001243777.2); c.254T>A, p.Ile85Lys (NM_001363604.2); short protein forms I85K, I103K, I112K.
Identifiers: ClinVar variation 861263 (VCV000861263.9), dbSNP rs1296533991, ClinGen allele CA382420788.

ClinVar aggregate classification (germline): Uncertain significance (1 of 4 stars; one submission).

Conditions:
Mosaic variegated aneuploidy syndrome 2 (MVA2). Identifiers: Orphanet 1052, MedGen C3279843, MONDO:0013582, OMIM 614114.

gnomAD v4.1: 3 of 1,613,558 alleles (0.00019%); highest among the groups gnomAD compares: East Asian, 0.0045%; no homozygotes.

Submission:

Labcorp Genetics (formerly Invitae), Labcorp
Classification: Uncertain significance for Mosaic variegated aneuploidy syndrome 2. Last evaluated: 2019-01-10. Review status: criteria provided, single submitter. Criteria: Invitae Variant Classification Sherloc (09022015). Collection method: clinical testing. Allele origin: germline.
Comment: Algorithms developed to predict the effect of missense changes on protein structure and function are either unavailable or do not agree on the potential impact of this missense change (SIFT: "Deleterious"; PolyPhen-2: "Probably Damaging"; Align-GVGD: "Class C0"). In summary, the available evidence is currently insufficient to determine the role of this variant in disease. Therefore, it has been classified as a Variant of Uncertain Significance. This variant has not been reported in the literature in individuals with CEP57-related conditions. This variant is not present in population databases (ExAC no frequency). This sequence change replaces isoleucine with lysine at codon 112 of the CEP57 protein (p.Ile112Lys). The isoleucine residue is moderately conserved and there is a moderate physicochemical difference between isoleucine and lysine.